The following is an entry in ClinVar:

NM_001953.5(TYMP):c.433G>A (p.Gly145Arg)

Gene: TYMP (thymidine phosphorylase; minus strand). Cytogenetic location: 22q13.33.
Variant type: single nucleotide variant.
Coding change: c.433G>A on transcript NM_001953.5 (MANE Select); coding-DNA position 433, G replaced by A.
Protein change: p.Gly145Arg; replaces glycine 145 with arginine.
Molecular consequence: missense variant.
Genome position (GRCh38, 1-based): chr22:50,528,595, C>T on the plus strand (G>A on the coding strand, the complement: TYMP is on the minus strand). VCF-style: chr22-50528595-C-T. GRCh37 (hg19) VCF-style: chr22-50967024-C-T.
Other names: Gly>Arg; c.433G>A, p.Gly145Arg (LRG_727t2, LRG_727t1, NM_001113755.3 and 3 more transcripts); c.433G>A (NM_001953.3); short protein forms G145R.
Identifiers: ClinVar variation 16655 (VCV000016655.26), dbSNP rs121913037, ClinGen allele CA126763.

ClinVar aggregate classification (germline): Pathogenic/Likely pathogenic. Review status: criteria provided, multiple submitters, no conflicts (2 of 4 stars). 10 submissions from 10 submitters: Pathogenic (2); Likely pathogenic (6). 2 of the submissions do not count toward it. Last evaluated 2026-04-01.

Conditions:
Mitochondrial neurogastrointestinal encephalomyopathy. Also called: Mitochondrial neurogastrointestinal encephalopathy syndrome; MNGIE syndrome; Thymidine phosphorylase deficiency. Identifiers: Orphanet 298, MedGen C0872218, MONDO:0017575.
Mitochondrial DNA depletion syndrome 1. Also called: Mitochondrial neurogastrointestinal encephalomyopathy syndrome; MITOCHONDRIAL NEUROGASTROINTESTINAL ENCEPHALOPATHY SYNDROME, TYMP-RELATED; MNGIE, TYMP-RELATED; POLIP SYNDROME; POLYNEUROPATHY, OPHTHALMOPLEGIA, LEUKOENCEPHALOPATHY, AND INTESTINAL PSEUDOOBSTRUCTION; Mitochondrial Neurogastrointestinal Encephalopathy Disease. Identifiers: Orphanet 298, MedGen C4551995, MONDO:0011283, OMIM 603041.

Allele frequency attached by ClinVar (database versions not stated): gnomAD exomes 0.00002; gnomAD 0.00007; 1000 Genomes Project 0.00040; ExAC 0.00004; TOPMed 0.00011; 1000 Genomes Project 30x 0.00047.

Submissions (10):

GeneDx
Classification: Likely pathogenic. Last evaluated: 2026-04-01. Review status: criteria provided, single submitter. Criteria: GeneDx Variant Classification Process June 2021. Collection method: clinical testing. Allele origin: germline.
Comment: Not observed at significant frequency in large population cohorts (gnomAD); In silico analysis supports that this missense variant has a deleterious effect on protein structure/function; In silico analysis is inconclusive as to whether the variant alters gene splicing. In the absence of RNA/functional studies, the actual effect of this sequence change is unknown; This variant is associated with the following publications: (PMID: 19748572, 25525159, 21820356, 9924029, 16995425, 20301358, 18787099, 34288589, 35841120, 40111159, 38712004, SawaftaA2025[casereport], 38582814)

Labcorp Genetics (formerly Invitae), Labcorp
Classification: Pathogenic. Last evaluated: 2026-01-18. Review status: criteria provided, single submitter. Criteria: Invitae Variant Classification Sherloc (09022015). Collection method: clinical testing. Allele origin: germline.
Comment: This sequence change replaces glycine, which is neutral and non-polar, with arginine, which is basic and polar, at codon 145 of the TYMP protein (p.Gly145Arg). This variant is present in population databases (rs121913037, gnomAD 0.007%). This missense change has been observed in individuals with mitochondrial neurogastrointestinal encephalomyopathy (MNGIE) (PMID: 9924029, 10852545, 16995425). It has also been observed to segregate with disease in related individuals. This variant is also known as G1419A. ClinVar contains an entry for this variant (Variation ID: 16655). Invitae Evidence Modeling of protein sequence and biophysical properties (such as structural, functional, and spatial information, amino acid conservation, physicochemical variation, residue mobility, and thermodynamic stability) indicates that this missense variant is expected to disrupt TYMP protein function with a positive predictive value of 95%. Algorithms developed to predict the effect of sequence changes on RNA splicing suggest that this variant may disrupt the consensus splice site. For these reasons, this variant has been classified as Pathogenic.

Natera, Inc.
Classification: Likely pathogenic for Mitochondrial neurogastrointestinal encephalomyopathy. Last evaluated: 2025-09-08. Review status: criteria provided, single submitter. Criteria: Natera Variant Classification Schema (03/2026). Collection method: clinical testing. Allele origin: germline.
Comment: The c.433G>A variant in TYMP is a missense variant predicted to cause substitution of glycine to arginine at amino acid 145. This variant is rare in the general population with a frequency below the threshold expected for the associated phenotype(s). This variant has been observed in one or more individuals affected with the associated recessive disease, as either homozygous or compound heterozygous with a second variant (PMID: 10852545). Functional studies show that this variant may disrupt protein function (PMID: 21820356). Computational prediction algorithms indicate this variant is likely to affect gene or protein function. Given the available evidence, this variant is classified as Likely Pathogenic.

Revvity Omics, Revvity
Classification: Likely pathogenic for Mitochondrial DNA depletion syndrome 1. Last evaluated: 2025-03-27. Review status: criteria provided, single submitter. Criteria: ACMG Guidelines, 2015. Collection method: clinical testing. Allele origin: germline.

Fulgent Genetics
Classification: Likely pathogenic for Mitochondrial DNA depletion syndrome 1. Last evaluated: 2024-05-28. Review status: criteria provided, single submitter. Criteria: ACMG Guidelines, 2015. Collection method: clinical testing. Allele origin: germline.

Women's Health and Genetics/Laboratory Corporation of America, LabCorp
Classification: Pathogenic for Mitochondrial DNA depletion syndrome 1. Last evaluated: 2023-07-25. Review status: criteria provided, single submitter. Criteria: LabCorp Variant Classification Summary - May 2015. Collection method: clinical testing. Allele origin: germline.
Comment: Variant summary: TYMP c.433G>A (p.Gly145Arg) results in a non-conservative amino acid change located in the Glycosyl transferase, family 3 (IPR000312) of the encoded protein sequence. Five of five in-silico tools predict a damaging effect of the variant on protein function. The variant allele was found at a frequency of 1.6e-05 in 250760 control chromosomes. c.433G>A has been reported in the literature in multiple individuals affected with Mitochondrial DNA Depletion Syndrome 1 (MNGIE type) (Example: Nishino_1999, Zaidman_2021). These data indicate that the variant is very likely to be associated with disease. To our knowledge, no experimental evidence demonstrating an impact on protein function has been reported. The following publications have been ascertained in the context of this evaluation (PMID: 9924029, 33533561). Seven submitters have cited clinical-significance assessments for this variant to ClinVar after 2014. All submitters classified the variant as pathogenic/likely pathogenic. Based on the evidence outlined above, the variant was classified as pathogenic.

MGZ Medical Genetics Center
Classification: Likely pathogenic for Mitochondrial DNA depletion syndrome 1. Last evaluated: 2022-03-29. Review status: criteria provided, single submitter. Criteria: ACMG Guidelines, 2015. Collection method: clinical testing. Allele origin: germline. Affected: yes. Observed: 1 variant allele.
Comment: ACMG criteria applied: PS4_MOD, PM3, PM2_SUP, PP3

Juno Genomics, Hangzhou Juno Genomics, Inc
Classification: Likely pathogenic for Mitochondrial DNA depletion syndrome 1. Review status: criteria provided, single submitter. Criteria: ACMG Guidelines, 2015. Collection method: clinical testing. Allele origin: germline.
Comment: Absent from controls (or at extremely low frequency if recessive) in Genome Aggregation Database.;Multiple lines of computational evidence support a deleterious effect on the gene or gene product.;For recessive disorders, detected in trans with a pathogenic variant.;Patient's phenotype or family history is highly specific for a disease with a single genetic etiology.

GeneReviews
Classification: Pathogenic for Mitochondrial DNA depletion syndrome 1. Last evaluated: 2016-01-14. Review status: no assertion criteria provided. Collection method: literature only. Allele origin: germline. Affected: yes. Not counted in ClinVar's aggregate classification.

OMIM
Classification: Pathogenic for MITOCHONDRIAL DNA DEPLETION SYNDROME 1 (MNGIE TYPE). Last evaluated: 1999-01-29. Review status: no assertion criteria provided. Collection method: literature only. Allele origin: germline. Not counted in ClinVar's aggregate classification.

Literature cited by the submitters: PubMed 9924029 (cited by 4 submitters); PubMed 10852545 (cited by Labcorp Genetics (formerly Invitae), Labcorp and Natera, Inc.); PubMed 16995425 (cited by Labcorp Genetics (formerly Invitae), Labcorp); PubMed 21820356 (cited by Natera, Inc.); PubMed 33533561 (cited by Women's Health and Genetics/Laboratory Corporation of America, LabCorp).